The following is an entry in ClinVar:

ClinVar aggregate classification (germline): Uncertain significance. Review status: criteria provided, multiple submitters, no conflicts (2 of 4 stars). 3 submissions from 3 submitters: Uncertain significance (3). Last evaluated 2025-03-18.

Conditions:
Cardiovascular phenotype. Identifiers: MedGen CN230736.
Familial hypercholesterolemia. Also called: Familial hypercholesterolemias; Familial hypercholesterolaemia. Identifiers: MedGen C0020445, MONDO:0005439.
Hypercholesterolemia, autosomal dominant, 3 (FHCL3). Also called: Familial hypercholesterolemia 3; Familial Hypercholesterolemia, Autosomal Dominant, 3; PCSK9-Related Familial Hypercholesterolemia, Autosomal Dominant. Identifiers: MedGen C1863551, MONDO:0011369, OMIM 603776.

Allele frequency attached by ClinVar (database versions not stated): gnomAD exomes below 0.00001; gnomAD 0.00001; TOPMed 0.00001.
gnomAD v4.1: 6 of 1,611,666 alleles (0.00037%); highest among the groups gnomAD compares: African/African-American, 0.0027%; no homozygotes.

Submissions (3):

Ambry Genetics
Classification: Uncertain significance for Cardiovascular phenotype. Last evaluated: 2025-03-18. Review status: criteria provided, single submitter. Criteria: Ambry Variant Classification Scheme 2023. Collection method: clinical testing. Allele origin: germline.
Comment: The p.A390V variant (also known as c.1169C>T), located in coding exon 7 of the PCSK9 gene, results from a C to T substitution at nucleotide position 1169. The alanine at codon 390 is replaced by valine, an amino acid with similar properties. This amino acid position is conserved. In addition, the in silico prediction for this alteration is inconclusive. Since supporting evidence is limited at this time, the clinical significance of this alteration remains unclear.

All of Us Research Program, National Institutes of Health
Classification: Uncertain significance for Hypercholesterolemia, autosomal dominant, 3. Last evaluated: 2024-08-13. Review status: criteria provided, single submitter. Criteria: ACMG Guidelines, 2015. Collection method: clinical testing. Allele origin: germline. Inheritance: Autosomal dominant inheritance. Observed: 4 variant alleles, 4 heterozygotes.
Comment: This missense variant replaces alanine with valine at codon 390 of the PCSK9 protein. Computational prediction is inconclusive regarding the impact of this variant on protein structure and function (internally defined REVEL score threshold 0.5 < inconclusive < 0.7, PMID: 27666373). To our knowledge, functional studies have not been reported for this variant. This variant has not been reported in individuals affected with familial hypercholesterolemia in the literature. This variant has not been identified in the general population by the Genome Aggregation Database (gnomAD). The available evidence is insufficient to determine the role of this variant in disease conclusively. Therefore, this variant is classified as a Variant of Uncertain Significance.

This study involves interpretation of variants in research participants for the purpose of population health screening. Participant phenotype was not available at the time of variant classification. Additional details can be found in publication PMID: 35346344, PMCID: PMC8962531

Color Diagnostics, LLC DBA Color Health
Classification: Uncertain significance for Familial hypercholesterolemia. Last evaluated: 2024-03-06. Review status: criteria provided, single submitter. Criteria: ACMG Guidelines, 2015. Collection method: clinical testing. Allele origin: germline.
Comment: This missense variant replaces alanine with valine at codon 390 of the PCSK9 protein. Computational prediction is inconclusive regarding the impact of this variant on protein structure and function (internally defined REVEL score threshold 0.5 < inconclusive < 0.7, PMID: 27666373). To our knowledge, functional studies have not been reported for this variant. This variant has not been reported in individuals affected with PCSK9-related disorders in the literature. This variant has not been identified in the general population by the Genome Aggregation Database (gnomAD). The available evidence is insufficient to determine the role of this variant in disease conclusively. Therefore, this variant is classified as a Variant of Uncertain Significance.

NM_174936.4(PCSK9):c.1169C>T (p.Ala390Val)

Gene: PCSK9 (proprotein convertase subtilisin/kexin type 9; plus strand). Cytogenetic location: 1p32.3.
Variant type: single nucleotide variant.
Coding change: c.1169C>T on transcript NM_174936.4 (MANE Select); coding-DNA position 1169, C replaced by T.
Protein change: p.Ala390Val; replaces alanine 390 with valine.
Molecular consequence: missense variant.
Genome position (GRCh38, 1-based): chr1:55,057,503, C>T. VCF-style: chr1-55057503-C-T. GRCh37 (hg19) VCF-style: chr1-55523176-C-T.
Other names: c.1292C>T, p.Ala431Val (NM_001407240.1); c.1169C>T, p.Ala390Val (NM_001407241.1, NM_001407244.1, NM_001407247.1); c.1172C>T, p.Ala391Val (NM_001407242.1); c.1112C>T, p.Ala371Val (NM_001407243.1); c.977C>T, p.Ala326Val (NM_001407245.1); c.794C>T, p.Ala265Val (NM_001407246.1); short protein forms A390V, A326V, A371V, A391V, A431V, A265V.
Identifiers: ClinVar variation 924604 (VCV000924604.11), dbSNP rs1313288327, ClinGen allele CA340476938.